The following is an entry in ClinVar:

ClinVar aggregate classification (germline): Uncertain significance (1 of 4 stars; one submission).

Conditions:
Hereditary cancer-predisposing syndrome. Also called: Hereditary Cancer Syndrome; Hereditary neoplastic syndrome; Neoplastic Syndromes, Hereditary; Tumor predisposition. Identifiers: Orphanet 140162, MedGen C0027672, MeSH D009386, MONDO:0015356.

Submission:

Ambry Genetics
Classification: Uncertain significance for Hereditary cancer-predisposing syndrome. Last evaluated: 2021-12-10. Review status: criteria provided, single submitter. Criteria: Ambry Variant Classification Scheme 2023. Collection method: clinical testing. Allele origin: germline.
Comment: The c.-5G>A variant is located in the 5' untranslated region (5&rsquo; UTR) of the ATM gene. This variant results from a G to A substitution 5 bases upstream from the first translated codon. This nucleotide position is not well conserved in available vertebrate species. Since supporting evidence is limited at this time, the clinical significance of this alteration remains unclear.

NM_000051.4(ATM):c.-5G>A

Gene: ATM (ATM serine/threonine kinase; plus strand). Cytogenetic location: 11q22.3.
Variant type: single nucleotide variant.
Coding change: c.-5G>A on transcript NM_000051.4 (MANE Select); 5 bases upstream of the start codon, G replaced by A.
Molecular consequence: 5 prime UTR variant.
Genome position (GRCh38, 1-based): chr11:108,227,620, G>A. VCF-style: chr11-108227620-G-A. GRCh37 (hg19) VCF-style: chr11-108098347-G-A.
Other names: c.-5G>A (NM_001351834.2, NM_001351835.2, NM_001351836.2).
Identifiers: ClinVar variation 1751008 (VCV001751008.2), dbSNP rs2135003590, ClinGen allele CA2580082959.